The following is an entry in ClinVar:

NM_012062.5(DNM1L):c.1099T>C (p.Cys367Arg)

Gene: DNM1L (dynamin 1 like; plus strand). Cytogenetic location: 12p11.21.
Variant type: single nucleotide variant.
Coding change: c.1099T>C on transcript NM_012062.5 (MANE Select); coding-DNA position 1099, T replaced by C.
Protein change: p.Cys367Arg; replaces cysteine 367 with arginine.
Molecular consequence: missense variant.
Genome position (GRCh38, 1-based): chr12:32,731,033, T>C. VCF-style: chr12-32731033-T-C. GRCh37 (hg19) VCF-style: chr12-32883967-T-C.
Other names: c.1099T>C, p.Cys367Arg (NM_001278463.2, NM_005690.5, NM_012063.4); c.1138T>C, p.Cys380Arg (NM_001278464.2, NM_001278465.2, NM_001330380.2); c.490T>C, p.Cys164Arg (NM_001278466.2); short protein forms C164R, C367R, C380R.
Identifiers: ClinVar variation 1066546 (VCV001066546.9), dbSNP rs2137520997, ClinGen allele CA384357271.

ClinVar aggregate classification (germline): Likely pathogenic (1 of 4 stars; one submission).

Submission:

Labcorp Genetics (formerly Invitae), Labcorp
Classification: Likely pathogenic. Last evaluated: 2020-04-01. Review status: criteria provided, single submitter. Criteria: Invitae Variant Classification Sherloc (09022015). Collection method: clinical testing. Allele origin: germline.
Comment: This variant is not present in population databases (ExAC no frequency). This sequence change replaces cysteine with arginine at codon 367 of the DNM1L protein (p.Cys367Arg). The cysteine residue is highly conserved and there is a large physicochemical difference between cysteine and arginine. This variant has been observed in individual(s) with clinical features of autosomal dominant DNM1L-related encephalopathy (Invitae). In at least one individual the variant was observed to be de novo. Algorithms developed to predict the effect of missense changes on protein structure and function (SIFT, PolyPhen-2, Align-GVGD) all suggest that this variant is likely to be tolerated, but these predictions have not been confirmed by published functional studies and their clinical significance is uncertain. In summary, the currently available evidence indicates that the variant is pathogenic, but additional data are needed to prove that conclusively. Therefore, this variant has been classified as Likely Pathogenic.